The following is an entry in ClinVar:

ClinVar aggregate classification (germline): Pathogenic (1 of 4 stars; one submission).

Conditions:
Usher syndrome type 1 (USH1). Also called: RETINITIS PIGMENTOSA AND CONGENITAL DEAFNESS. Identifiers: Orphanet 231169, Orphanet 886, MedGen C1568247, MONDO:0010168, OMIM 276900.

Submission:

Myriad Genetics, Inc.
Classification: Pathogenic for Usher syndrome type 1. Last evaluated: 2025-12-04. Review status: criteria provided, single submitter. Criteria: Myriad Autosomal Dominant, Autosomal Recessive and X-Linked Classification Criteria (2023). Collection method: clinical testing. Allele origin: unknown.
Comment: NM_000260.3(MYO7A):c.1580delA(K527Sfs*2) is expected to be pathogenic in the context of MYO7A-related disorders. This variant is predicted to lead to an abnormal or absent protein product due to the creation of a premature termination codon in MYO7A, a gene where loss-of-function variants are known to be pathogenic. Please note: this variant was assessed in the context of healthy population screening.

NM_000260.4(MYO7A):c.1580del (p.Lys527fs)

Gene: MYO7A (myosin VIIA; plus strand). Cytogenetic location: 11q13.5.
Variant type: Deletion.
Coding change: c.1580del on transcript NM_000260.4 (MANE Select); coding-DNA position 1580, one base deleted (A; older notation c.1580delA).
Protein change: p.Lys527fs; shifts the reading frame from lysine 527.
Molecular consequence: frameshift variant.
Genome position (GRCh38, 1-based): chr11:77,162,878, A deleted; the last of 2 consecutive A bases (chr11:77,162,877-77,162,878); deleting either gives the same sequence. VCF-style (leftmost placement, unchanged base first): chr11-77162876-CA-C. GRCh37 (hg19) VCF-style: chr11-76873922-CA-C.
Other names: c.1580del, p.Lys527fs (NM_001127180.2); c.1547del, p.Lys516fs (NM_001369365.1); short protein forms K516fs, K527fs.
Identifiers: ClinVar variation 5015291 (VCV005015291.1).